The following is an entry in ClinVar:

ClinVar aggregate classification (germline): Uncertain significance (1 of 4 stars; one submission).

gnomAD v4.1: 4 of 1,614,036 alleles (0.00025%); highest among the groups gnomAD compares: East Asian, 0.0067%; 1 homozygote.

Submission:

Ambry Genetics
Classification: Uncertain significance. Last evaluated: 2025-02-16. Review status: criteria provided, single submitter. Criteria: Ambry Variant Classification Scheme 2023. Collection method: clinical testing. Allele origin: germline.
Comment: The p.C1009Y variant (also known as c.3026G>A), located in coding exon 11 of the CDK12 gene, results from a G to A substitution at nucleotide position 3026. The cysteine at codon 1009 is replaced by tyrosine, an amino acid with highly dissimilar properties. This amino acid position is conserved. In addition, this alteration is predicted to be deleterious by in silico analysis. Based on the available evidence, the clinical significance of this variant remains unclear.

NM_016507.4(CDK12):c.3026G>A (p.Cys1009Tyr)

Gene: CDK12 (cyclin dependent kinase 12; plus strand). Cytogenetic location: 17q12.
Variant type: single nucleotide variant.
Coding change: c.3026G>A on transcript NM_016507.4 (MANE Select); coding-DNA position 3026, G replaced by A.
Protein change: p.Cys1009Tyr; replaces cysteine 1009 with tyrosine.
Molecular consequence: missense variant.
Genome position (GRCh38, 1-based): chr17:39,520,018, G>A. VCF-style: chr17-39520018-G-A. GRCh37 (hg19) VCF-style: chr17-37676271-G-A.
Other names: c.3026G>A, p.Cys1009Tyr (NM_015083.4); short protein forms C1009Y.
Identifiers: ClinVar variation 3830673 (VCV003830673.1).